The following is an entry in ClinVar:

NM_001382391.1(CSPP1):c.940C>T (p.Arg314Ter)

Gene: CSPP1 (centrosome and spindle pole associated protein 1; plus strand). Cytogenetic location: 8q13.2.
Variant type: single nucleotide variant.
Coding change: c.940C>T on transcript NM_001382391.1 (MANE Select); coding-DNA position 940, C replaced by T.
Protein change: p.Arg314Ter; replaces arginine 314 with a stop codon.
Molecular consequence: nonsense. On other transcripts: intron variant (1).
Genome position (GRCh38, 1-based): chr8:67,103,053, C>T. VCF-style: chr8-67103053-C-T. GRCh37 (hg19) VCF-style: chr8-68015288-C-T.
Other names: c.85C>T, p.Arg29Ter (NM_001291339.2); c.859C>T, p.Arg287Ter (NM_001363131.2, NM_001363133.2); c.940C>T, p.Arg314Ter (NM_001363132.2); c.1048C>T, p.Arg350Ter (NM_001364869.1); c.967C>T, p.Arg323Ter (NM_024790.7); c.951-2852C>T (NM_001364870.1); short protein forms R29*, R314*, R323*, R350*, R287*.
Identifiers: ClinVar variation 959219 (VCV000959219.7), dbSNP rs774703929, ClinGen allele CA4770396.

ClinVar aggregate classification (germline): Pathogenic (1 of 4 stars; one submission).

Conditions:
Joubert syndrome 21 (JBTS21). Identifiers: MedGen C3810212, MONDO:0014288, OMIM 615636.

Allele frequency attached by ClinVar (database versions not stated): TOPMed below 0.00001; ExAC 0.00001; gnomAD exomes 0.00001.

Submission:

Labcorp Genetics (formerly Invitae), Labcorp
Classification: Pathogenic for Joubert syndrome 21. Last evaluated: 2025-07-30. Review status: criteria provided, single submitter. Criteria: Invitae Variant Classification Sherloc (09022015). Collection method: clinical testing. Allele origin: germline.
Comment: This sequence change creates a premature translational stop signal (p.Arg323*) in the CSPP1 gene. It is expected to result in an absent or disrupted protein product. Loss-of-function variants in CSPP1 are known to be pathogenic (PMID: 24360807, 24360808). This variant is present in population databases (rs774703929, gnomAD 0.003%). This variant has not been reported in the literature in individuals affected with CSPP1-related conditions. ClinVar contains an entry for this variant (Variation ID: 959219). Algorithms developed to predict the effect of sequence changes on RNA splicing suggest that this variant may disrupt the consensus splice site. For these reasons, this variant has been classified as Pathogenic.

Literature cited by the submitters: PubMed 24360807; PubMed 24360808.